The following is an entry in ClinVar:

NM_001690.4(ATP6V1A):c.738T>G (p.Thr246=)

Gene: ATP6V1A (ATPase H+ transporting V1 subunit A; plus strand). Cytogenetic location: 3q13.31.
Variant type: single nucleotide variant.
Coding change: c.738T>G on transcript NM_001690.4 (MANE Select); coding-DNA position 738, T replaced by G.
Protein change: p.Thr246=; no amino-acid change (threonine 246 retained).
Molecular consequence: synonymous variant.
Genome position (GRCh38, 1-based): chr3:113,788,734, T>G. VCF-style: chr3-113788734-T-G. GRCh37 (hg19) VCF-style: chr3-113507581-T-G.
Identifiers: ClinVar variation 3389243 (VCV003389243.14).

ClinVar aggregate classification (germline): Likely benign (1 of 4 stars; one submission).

Submission:

CeGaT Center for Human Genetics Tuebingen
Classification: Likely benign. Last evaluated: 2024-10-01. Review status: criteria provided, single submitter. Criteria: CeGaT Center For Human Genetics Tuebingen Variant Classification Criteria Version 2. Collection method: clinical testing. Allele origin: germline. Affected: yes. Observed: 1 variant allele.
Comment: ATP6V1A: PM2:Supporting, BP4, BP7